The following is an entry in ClinVar:

ClinVar aggregate classification (germline): Conflicting classifications of pathogenicity. Review status: criteria provided, conflicting classifications (1 of 4 stars). 2 submissions from 2 submitters: Likely pathogenic (1); Uncertain significance (1). Last evaluated 2025-08-01.

Submissions (2):

Women's Health and Genetics/Laboratory Corporation of America, LabCorp
Classification: Uncertain significance. Last evaluated: 2025-08-01. Review status: criteria provided, single submitter. Criteria: LabCorp Variant Classification Summary - May 2015. Collection method: clinical testing. Allele origin: germline.
Comment: Variant summary: OCA2 c.2383G>A (p.Gly795Arg) results in a non-conservative amino acid change in the encoded protein sequence. Algorithms developed to predict the effect of missense changes on protein structure and function all suggest that this variant is likely to be disruptive. The variant was absent in 251486 control chromosomes. The available data on variant occurrences in the general population are insufficient to allow any conclusion about variant significance. To our knowledge, no occurrence of c.2383G>A in individuals affected with Tyrosinase-Positive Oculocutaneous Albinism and no experimental evidence demonstrating its impact on protein function have been reported. The following publication have been ascertained in the context of this evaluation (PMID: 20019752). ClinVar contains an entry for this variant (Variation ID: 3385255). Based on the evidence outlined above, the variant was classified as uncertain significance.

Labcorp Genetics (formerly Invitae), Labcorp
Classification: Likely pathogenic. Last evaluated: 2024-09-19. Review status: criteria provided, single submitter. Criteria: Invitae Variant Classification Sherloc (09022015). Collection method: clinical testing. Allele origin: germline.
Comment: This sequence change replaces glycine, which is neutral and non-polar, with arginine, which is basic and polar, at codon 795 of the OCA2 protein (p.Gly795Arg). This variant is not present in population databases (gnomAD no frequency). This missense change has been observed in individual(s) with clinical features of ocular albinism (PMID: 10987646; internal data). In at least one individual the data is consistent with being in trans (on the opposite chromosome) from a pathogenic variant. Invitae Evidence Modeling of protein sequence and biophysical properties (such as structural, functional, and spatial information, amino acid conservation, physicochemical variation, residue mobility, and thermodynamic stability) indicates that this missense variant is expected to disrupt OCA2 protein function with a positive predictive value of 80%. In summary, the currently available evidence indicates that the variant is pathogenic, but additional data are needed to prove that conclusively. Therefore, this variant has been classified as Likely Pathogenic.

Literature cited by the submitters: PubMed 20019752 (cited by Women's Health and Genetics/Laboratory Corporation of America, LabCorp); PubMed 10987646 (cited by Labcorp Genetics (formerly Invitae), Labcorp).

NM_000275.3(OCA2):c.2383G>A (p.Gly795Arg)

Gene: OCA2 (OCA2 melanosomal transmembrane protein; minus strand). Cytogenetic location: 15q13.1.
Variant type: single nucleotide variant.
Coding change: c.2383G>A on transcript NM_000275.3 (MANE Select); coding-DNA position 2383, G replaced by A.
Protein change: p.Gly795Arg; replaces glycine 795 with arginine.
Molecular consequence: missense variant.
Genome position (GRCh38, 1-based): chr15:27,845,008, C>T on the plus strand (G>A on the coding strand, the complement: OCA2 is on the minus strand). VCF-style: chr15-27845008-C-T. GRCh37 (hg19) VCF-style: chr15-28090154-C-T.
Other names: c.2311G>A, p.Gly771Arg (NM_001300984.2); short protein forms G771R, G795R.
Identifiers: ClinVar variation 3385255 (VCV003385255.4).